The following is an entry in ClinVar:

ClinVar aggregate classification (germline): Uncertain significance (1 of 4 stars; one submission).

Conditions:
Neuroblastoma, susceptibility to, 3. Also called: ALK-Related Neuroblastic Tumor Susceptibility. Identifiers: Orphanet 635, MedGen C2751681, MONDO:0013083, OMIM 613014.

Submission:

Labcorp Genetics (formerly Invitae), Labcorp
Classification: Uncertain significance for Neuroblastoma, susceptibility to, 3. Last evaluated: 2025-04-23. Review status: criteria provided, single submitter. Criteria: Invitae Variant Classification Sherloc (09022015). Collection method: clinical testing. Allele origin: germline.
Comment: This sequence change replaces alanine, which is neutral and non-polar, with proline, which is neutral and non-polar, at codon 1168 of the ALK protein (p.Ala1168Pro). This variant is not present in population databases (gnomAD no frequency). This variant has not been reported in the literature in individuals affected with ALK-related conditions. An algorithm developed to predict the effect of missense changes on protein structure and function (PolyPhen-2) suggests that this variant is likely to be disruptive. In summary, the available evidence is currently insufficient to determine the role of this variant in disease. Therefore, it has been classified as a Variant of Uncertain Significance.

NM_004304.5(ALK):c.3502G>C (p.Ala1168Pro)

Gene: ALK (ALK receptor tyrosine kinase; minus strand). Cytogenetic location: 2p23.2.
Variant type: single nucleotide variant.
Coding change: c.3502G>C on transcript NM_004304.5 (MANE Select); coding-DNA position 3502, G replaced by C.
Protein change: p.Ala1168Pro; replaces alanine 1168 with proline.
Molecular consequence: missense variant.
Genome position (GRCh38, 1-based): chr2:29,222,357, C>G on the plus strand (G>C on the coding strand, the complement: ALK is on the minus strand). VCF-style: chr2-29222357-C-G. GRCh37 (hg19) VCF-style: chr2-29445223-C-G.
Other names: c.298G>C, p.Ala100Pro (NM_001353765.2); short protein forms A100P, A1168P.
Identifiers: ClinVar variation 4718175 (VCV004718175.1).